The following is an entry in ClinVar:

ClinVar aggregate classification (germline): Uncertain significance (1 of 4 stars; one submission).

Conditions:
Inborn genetic diseases. Identifiers: MedGen C0950123, MeSH D030342.

Submission:

Ambry Genetics
Classification: Uncertain significance for Inborn genetic diseases. Last evaluated: 2025-02-04. Review status: criteria provided, single submitter. Criteria: Ambry Variant Classification Scheme 2023. Collection method: clinical testing. Allele origin: germline.
Comment: The p.Q414R variant (also known as c.1241A>G), located in coding exon 7 of the ERCC6L2 gene, results from an A to G substitution at nucleotide position 1241. The glutamine at codon 414 is replaced by arginine, an amino acid with highly similar properties. This amino acid position is conserved. In addition, this alteration is predicted to be tolerated by in silico analysis. Based on the available evidence, the clinical significance of this variant remains unclear.

NM_020207.7(ERCC6L2):c.1241A>G (p.Gln414Arg)

Gene: ERCC6L2 (ERCC excision repair 6 like 2; plus strand). Cytogenetic location: 9q22.32.
Variant type: single nucleotide variant.
Coding change: c.1241A>G on transcript NM_020207.7 (MANE Select); coding-DNA position 1241, A replaced by G.
Protein change: p.Gln414Arg; replaces glutamine 414 with arginine.
Molecular consequence: missense variant. On other transcripts: non-coding transcript variant (1).
Genome position (GRCh38, 1-based): chr9:95,921,257, A>G. VCF-style: chr9-95921257-A-G. GRCh37 (hg19) VCF-style: chr9-98683539-A-G.
Other names: c.1241A>G, p.Gln414Arg (NM_001010895.4, NM_001375291.1, NM_001375292.1 and 2 more transcripts); short protein forms Q414R.
Identifiers: ClinVar variation 3845916 (VCV003845916.1).